The following is an entry in ClinVar:

ClinVar aggregate classification (germline): Likely benign (0 of 4 stars; one submission).

Conditions:
RB1-related disorder. Also called: RB1-related condition.

Submission:

PreventionGenetics, part of Exact Sciences
Classification: Likely benign for RB1-related condition. Last evaluated: 2019-07-09. Review status: no assertion criteria provided. Collection method: clinical testing. Allele origin: germline.
Comment: This variant is classified as likely benign based on ACMG/AMP sequence variant interpretation guidelines (Richards et al. 2015 PMID: 25741868, with internal and published modifications).

NM_000321.3(RB1):c.1390-18_1390-17del

Gene: RB1 (RB transcriptional corepressor 1; plus strand). Cytogenetic location: 13q14.2.
Variant type: Deletion.
Coding change: c.1390-18_1390-17del on transcript NM_000321.3 (MANE Select); 18 bases into the intron before coding-DNA position 1390 through 17 bases into the intron before coding-DNA position 1390, 2 bases deleted (TT; older notation c.1390-18_1390-17delTT).
Molecular consequence: intron variant.
Genome position (GRCh38, 1-based): chr13:48,380,035-48,380,036, TT deleted; deleting any 2 consecutive bases within chr13:48,380,024-48,380,036 gives the same sequence; the c. name uses the placement nearest the transcript's 3' end. VCF-style (leftmost placement, unchanged base first): chr13-48380023-CTT-C. GRCh37 (hg19) VCF-style: chr13-48954159-CTT-C.
Other names: c.1390-18_1390-17del (NM_001407165.1, NM_001407166.1).
Identifiers: ClinVar variation 3041904 (VCV003041904.2), dbSNP rs753535084, ClinGen allele CA6978893.